The following is an entry in ClinVar:

ClinVar aggregate classification (germline): Uncertain significance (1 of 4 stars; one submission).

gnomAD v4.1: 2 of 1,613,840 alleles (0.00012%); highest among the groups gnomAD compares: Admixed American, 0.0017%; no homozygotes.

Submission:

Labcorp Genetics (formerly Invitae), Labcorp
Classification: Uncertain significance. Last evaluated: 2022-01-13. Review status: criteria provided, single submitter. Criteria: Invitae Variant Classification Sherloc (09022015). Collection method: clinical testing. Allele origin: germline.
Comment: In summary, the available evidence is currently insufficient to determine the role of this variant in disease. Therefore, it has been classified as a Variant of Uncertain Significance. Algorithms developed to predict the effect of missense changes on protein structure and function (SIFT, PolyPhen-2, Align-GVGD) all suggest that this variant is likely to be disruptive. This variant has not been reported in the literature in individuals affected with USH2A-related conditions. This variant is present in population databases (no rsID available, gnomAD 0.003%). This sequence change replaces glycine, which is neutral and non-polar, with valine, which is neutral and non-polar, at codon 3002 of the USH2A protein (p.Gly3002Val).

NM_206933.4(USH2A):c.9005G>T (p.Gly3002Val)

Gene: USH2A (usherin; minus strand). Cytogenetic location: 1q41.
Variant type: single nucleotide variant.
Coding change: c.9005G>T on transcript NM_206933.4 (MANE Select); coding-DNA position 9005, G replaced by T.
Protein change: p.Gly3002Val; replaces glycine 3002 with valine.
Molecular consequence: missense variant.
Genome position (GRCh38, 1-based): chr1:215,845,874, C>A on the plus strand (G>T on the coding strand, the complement: USH2A is on the minus strand). VCF-style: chr1-215845874-C-A. GRCh37 (hg19) VCF-style: chr1-216019216-C-A.
Other names: short protein forms G3002V.
Identifiers: ClinVar variation 2415421 (VCV002415421.6), dbSNP rs1245969744, ClinGen allele CA344840653.